The following is an entry in ClinVar:

ClinVar aggregate classification (germline): Benign/Likely benign. Review status: criteria provided, multiple submitters, no conflicts (2 of 4 stars). 2 submissions from 2 submitters: Benign (1); Likely benign (1). Last evaluated 2025-08-31.

Conditions:
Lethal multiple pterygium syndrome (LMPS). Identifiers: Orphanet 33108, MedGen C1854678, MONDO:0009668, OMIM 253290.

Allele frequency attached by ClinVar (database versions not stated): gnomAD exomes 0.00004 and 0.00014; ExAC 0.00017; 1000 Genomes Project 0.00040; 1000 Genomes Project 30x 0.00047; TOPMed 0.00065; gnomAD 0.00070 and 0.00075; ESP Exome Variant Server 0.00077.
gnomAD v4.1: 170 of 1,614,134 alleles (0.011%); highest among the groups gnomAD compares: African/African-American, 0.21%; 1 homozygote.

Submissions (2):

Labcorp Genetics (formerly Invitae), Labcorp
Classification: Benign for Lethal multiple pterygium syndrome. Last evaluated: 2025-08-31. Review status: criteria provided, single submitter. Criteria: Invitae Variant Classification Sherloc (09022015). Collection method: clinical testing. Allele origin: germline.

GeneDx
Classification: Likely benign. Last evaluated: 2017-03-01. Review status: criteria provided, single submitter. Criteria: GeneDx Variant Classification (06012015). Collection method: clinical testing. Allele origin: germline. Affected: yes.
Comment: This variant is considered likely benign or benign based on one or more of the following criteria: it is a conservative change, it occurs at a poorly conserved position in the protein, it is predicted to be benign by multiple in silico algorithms, and/or has population frequency not consistent with disease.

NM_000079.4(CHRNA1):c.189+12G>A

Gene: CHRNA1 (cholinergic receptor nicotinic alpha 1 subunit; minus strand). Cytogenetic location: 2q31.1.
Variant type: single nucleotide variant.
Coding change: c.189+12G>A on transcript NM_000079.4 (MANE Select); 12 bases into the intron after coding-DNA position 189, G replaced by A.
Molecular consequence: intron variant.
Genome position (GRCh38, 1-based): chr2:174,759,476, C>T on the plus strand (G>A on the coding strand, the complement: CHRNA1 is on the minus strand). VCF-style: chr2-174759476-C-T. GRCh37 (hg19) VCF-style: chr2-175624204-C-T.
Other names: c.189+12G>A (NM_001039523.3).
Identifiers: ClinVar variation 507679 (VCV000507679.9), dbSNP rs201168898, ClinGen allele CA1974689.